The following is an entry in ClinVar:

ClinVar aggregate classification (germline): Uncertain significance (1 of 4 stars; one submission).

Conditions:
Epidermolysis bullosa simplex with nail dystrophy (EBS5D). Identifiers: MedGen C4225309, MONDO:0014661, OMIM 616487.
Epidermolysis bullosa simplex, Ogna type (EBS5A). Also called: EPIDERMOLYSIS BULLOSA SIMPLEX 5A, OGNA TYPE; Pidermolysis bullosa simplex 5A, Ogna type. Identifiers: Orphanet 79401, MedGen C0432317, MONDO:0007555, OMIM 131950.
Autosomal recessive limb-girdle muscular dystrophy type 2Q (LGMDR17). Also called: MUSCULAR DYSTROPHY, LIMB-GIRDLE, AUTOSOMAL RECESSIVE 17. Identifiers: Orphanet 254361, MedGen C3150989, MONDO:0013390, OMIM 613723.
Epidermolysis bullosa simplex 5B, with muscular dystrophy (EBS5B). Also called: EPIDERMOLYSIS BULLOSA SIMPLEX AND LIMB-GIRDLE MUSCULAR DYSTROPHY; Epidermolysis bullosa simplex with muscular dystrophy. Identifiers: Orphanet 257, MedGen C2931072, MONDO:0009181, OMIM 226670.
Epidermolysis bullosa simplex 5C, with pyloric atresia (EBS5C). Also called: PLEC-Related Epidermolysis Bullosa with Pyloric Atresia; Epidermolysis bullosa simplex with pyloric atresia; PLEC1-Related Epidermolysis Bullosa with Pyloric Atresia. Identifiers: Orphanet 158684, MedGen C2677349, MONDO:0012807, OMIM 612138.

gnomAD v4.1: 1 of 1,582,042 alleles (0.000063%); highest among the groups gnomAD compares: Non-Finnish European, 0.000085%; no homozygotes.

Submission:

Labcorp Genetics (formerly Invitae), Labcorp
Classification: Uncertain significance for Autosomal recessive limb-girdle muscular dystrophy type 2Q; Epidermolysis bullosa simplex, Ogna type; Epidermolysis bullosa simplex with nail dystrophy; Epidermolysis bullosa simplex 5C, with pyloric atresia; Epidermolysis bullosa simplex 5B, with muscular dystrophy. Last evaluated: 2025-09-10. Review status: criteria provided, single submitter. Criteria: Invitae Variant Classification Sherloc (09022015). Collection method: clinical testing. Allele origin: germline.
Comment: This sequence change replaces glutamine, which is neutral and polar, with lysine, which is basic and polar, at codon 1408 of the PLEC protein (p.Gln1408Lys). This variant is not present in population databases (gnomAD no frequency). This variant has not been reported in the literature in individuals affected with PLEC-related conditions. An algorithm developed to predict the effect of missense changes on protein structure and function outputs the following: PolyPhen-2: "Not Available". The lysine amino acid residue is found in multiple mammalian species, which suggests that this missense change does not adversely affect protein function. In summary, the available evidence is currently insufficient to determine the role of this variant in disease. Therefore, it has been classified as a Variant of Uncertain Significance.

NM_201384.3(PLEC):c.4141C>A (p.Gln1381Lys)

Gene: PLEC (plectin; minus strand). Cytogenetic location: 8q24.3.
Variant type: single nucleotide variant.
Coding change: c.4141C>A on transcript NM_201384.3 (MANE Select); coding-DNA position 4141, C replaced by A.
Protein change: p.Gln1381Lys; replaces glutamine 1381 with lysine.
Molecular consequence: missense variant. On other transcripts: intron variant (1).
Genome position (GRCh38, 1-based): chr8:143,925,788, G>T on the plus strand (C>A on the coding strand, the complement: PLEC is on the minus strand). VCF-style: chr8-143925788-G-T. GRCh37 (hg19) VCF-style: chr8-144999956-G-T.
Other names: c.4222C>A, p.Gln1408Lys (NM_000445.5); c.4099C>A, p.Gln1367Lys (NM_201378.4); c.4075C>A, p.Gln1359Lys (NM_201379.3); c.4552C>A, p.Gln1518Lys (NM_201380.4); c.4045C>A, p.Gln1349Lys (NM_201381.3); c.4141C>A, p.Gln1381Lys (NM_201382.4); c.4153C>A, p.Gln1385Lys (NM_201383.3); c.4125+996C>A (NM_001410941.1); short protein forms Q1367K, Q1381K, Q1349K, Q1518K, Q1359K, Q1385K, Q1408K.
Identifiers: ClinVar variation 4791161 (VCV004791161.1).